The following is an entry in ClinVar:

Conditions:
Long QT syndrome 5 (LQT5). Identifiers: Orphanet 101016, Orphanet 768, MedGen C1867904, MONDO:0013372, OMIM 613695.

Submission:

Roden Lab, Vanderbilt University Medical Center
No classification provided (evidence only). Condition: Long QT syndrome 5. Review status: no classification provided. Collection method: in vitro. Allele origin: not applicable. Functional consequence: Effect on ion channel function.
ClinVar note: "not provided" was previously submitted as the classification for the variant. However, the classification appeared to be based only on an observation of functional data so it was converted to no classification on 2025-07-30.

NM_000219.6(KCNE1):c.178G>T (p.Gly60Cys)

Gene: KCNE1 (potassium voltage-gated channel subfamily E regulatory subunit 1; minus strand). Cytogenetic location: 21q22.12.
Variant type: single nucleotide variant.
Coding change: c.178G>T on transcript NM_000219.6 (MANE Select); coding-DNA position 178, G replaced by T.
Protein change: p.Gly60Cys; replaces glycine 60 with cysteine.
Molecular consequence: missense variant.
Genome position (GRCh38, 1-based): chr21:34,449,457, C>A on the plus strand (G>T on the coding strand, the complement: KCNE1 is on the minus strand). VCF-style: chr21-34449457-C-A. GRCh37 (hg19) VCF-style: chr21-35821755-C-A.
Other names: c.178G>T, p.Gly60Cys (NM_001127668.4, NM_001127669.4, NM_001127670.4 and 4 more transcripts); short protein forms G60C.
Identifiers: ClinVar variation 3374255 (VCV003374255.2).